The following is an entry in ClinVar:

NM_000535.7(PMS2):c.993C>A (p.Cys331Ter)

Gene: PMS2 (PMS1 homolog 2, mismatch repair system component; minus strand). Cytogenetic location: 7p22.1.
Variant type: single nucleotide variant.
Coding change: c.993C>A on transcript NM_000535.7 (MANE Select); coding-DNA position 993, C replaced by A.
Protein change: p.Cys331Ter; replaces cysteine 331 with a stop codon.
Molecular consequence: nonsense. On other transcripts: non-coding transcript variant (1), intron variant (2).
Genome position (GRCh38, 1-based): chr7:5,989,951, G>T on the plus strand (C>A on the coding strand, the complement: PMS2 is on the minus strand). VCF-style: chr7-5989951-G-T. GRCh37 (hg19) VCF-style: chr7-6029582-G-T.
Other names: c.588C>A, p.Cys196Ter (NM_001018040.1, NM_001322003.2, NM_001322004.2 and 17 more transcripts); c.675C>A, p.Cys225Ter (NM_001322007.2, NM_001322008.2, NM_001406876.1 and 2 more transcripts); c.60C>A, p.Cys20Ter (NM_001322011.2, NM_001322012.2); c.420C>A, p.Cys140Ter (NM_001322013.2, NM_001406909.1); c.993C>A, p.Cys331Ter (NM_001322014.2, NM_001406871.1, NM_001406872.1); c.684C>A, p.Cys228Ter (NM_001322015.2, NM_001406875.1, NM_001406877.1 and 5 more transcripts); c.1179C>A, p.Cys393Ter (NM_001406866.1); c.1017C>A, p.Cys339Ter (NM_001406868.1); and 9 more; short protein forms C20*, C219*, C225*, C331*, C265*, C74*, C228*, C275*.
Identifiers: ClinVar variation 1768663 (VCV001768663.7), dbSNP rs186577215, ClinGen allele CA366743034.

ClinVar aggregate classification (germline): Pathogenic/Likely pathogenic. Review status: criteria provided, multiple submitters, no conflicts (2 of 4 stars). 4 submissions from 4 submitters: Pathogenic (3); Likely pathogenic (1). Last evaluated 2024-01-11.

Conditions:
Mismatch repair cancer syndrome 4. Identifiers: MedGen C5436817, MONDO:0030843, OMIM 619101.
Lynch syndrome 4 (LYNCH4). Also called: Colorectal cancer, hereditary nonpolyposis, type 4; Hereditary non-polyposis colorectal cancer, type 4. Identifiers: Orphanet 144, MedGen C1838333, MONDO:0013699, OMIM 614337. Disease mechanism: loss of function.
Hereditary cancer-predisposing syndrome. Also called: Hereditary Cancer Syndrome; Hereditary neoplastic syndrome; Neoplastic Syndromes, Hereditary; Tumor predisposition. Identifiers: Orphanet 140162, MedGen C0027672, MeSH D009386, MONDO:0015356.

Submissions (4):

Fulgent Genetics
Classification: Likely pathogenic for Lynch syndrome 4; Mismatch repair cancer syndrome 4. Last evaluated: 2024-01-11. Review status: criteria provided, single submitter. Criteria: ACMG Guidelines, 2015. Collection method: clinical testing. Allele origin: germline.

Myriad Genetics, Inc.
Classification: Pathogenic for Lynch syndrome 4. Last evaluated: 2023-09-20. Review status: criteria provided, single submitter. Criteria: Myriad Autosomal Dominant, Autosomal Recessive and X-Linked Classification Criteria (2023). Collection method: clinical testing. Allele origin: unknown.
Comment: This variant is considered pathogenic. This variant creates a termination codon and is predicted to result in premature protein truncation.

Ambry Genetics
Classification: Pathogenic for Hereditary cancer-predisposing syndrome. Last evaluated: 2023-09-07. Review status: criteria provided, single submitter. Criteria: Ambry Variant Classification Scheme 2023. Collection method: clinical testing. Allele origin: germline.
Comment: The p.C331* pathogenic mutation (also known as c.993C>A), located in coding exon 10 of the PMS2 gene, results from a C to A substitution at nucleotide position 993. This changes the amino acid from a cysteine to a stop codon within coding exon 10. This variant is considered to be rare based on population cohorts in the Genome Aggregation Database (gnomAD). This alteration is expected to result in loss of function by premature protein truncation or nonsense-mediated mRNA decay. As such, this alteration is interpreted as a disease-causing mutation.

Color Diagnostics, LLC DBA Color Health
Classification: Pathogenic for Hereditary cancer-predisposing syndrome. Last evaluated: 2022-08-08. Review status: criteria provided, single submitter. Criteria: ACMG Guidelines, 2015. Collection method: clinical testing. Allele origin: germline.
Comment: This variant changes 1 nucleotide in exon 10 of the PMS2 gene, creating a premature translation stop signal. This variant is expected to result in an absent or non-functional protein product. This variant has been identified in cohort of Chinese individuals undergoing genetic screening for alterations in mismatch repair genes (PMID: 34172528). This variant has not been identified in the general population by the Genome Aggregation Database (gnomAD). Loss of PMS2 function is a known mechanism of disease. Based on the available evidence, this variant is classified as Pathogenic.

Literature cited by the submitters: PubMed 34172528 (cited by Color Diagnostics, LLC DBA Color Health).